The following is an entry in ClinVar:

ClinVar aggregate classification (germline): Uncertain significance. Review status: criteria provided, multiple submitters, no conflicts (2 of 4 stars). 4 submissions from 4 submitters: Uncertain significance (3). 1 of the submissions does not count toward it. Last evaluated 2024-10-26.

Conditions:
Peroxisome biogenesis disorder 7A (Zellweger). Also called: Peroxisome biogenesis disorder 7A. Identifiers: Orphanet 912, MedGen C3888385, MONDO:0013938, OMIM 614872.
Peroxisome biogenesis disorder 7B (PBD7B). Identifiers: Orphanet 44, MedGen C3553951, MONDO:0013939, OMIM 614873.
PEX26-related disorder. Also called: PEX26-related condition.

Allele frequency attached by ClinVar (database versions not stated): gnomAD 0.00004 and 0.00005; TOPMed 0.00006; 1000 Genomes Project 30x 0.00016; 1000 Genomes Project 0.00020.
gnomAD v4.1: 123 of 1,597,642 alleles (0.0077%); highest among the groups gnomAD compares: Middle Eastern, 0.083%; 1 homozygote.

Submissions (4):

Labcorp Genetics (formerly Invitae), Labcorp
Classification: Uncertain significance for Peroxisome biogenesis disorder 7A (Zellweger); Peroxisome biogenesis disorder 7B. Last evaluated: 2024-10-26. Review status: criteria provided, single submitter. Criteria: Invitae Variant Classification Sherloc (09022015). Collection method: clinical testing. Allele origin: germline.
Comment: This sequence change replaces proline, which is neutral and non-polar, with leucine, which is neutral and non-polar, at codon 11 of the PEX26 protein (p.Pro11Leu). This variant is present in population databases (rs200279475, gnomAD 0.01%). This variant has not been reported in the literature in individuals affected with PEX26-related conditions. ClinVar contains an entry for this variant (Variation ID: 597480). An algorithm developed to predict the effect of missense changes on protein structure and function outputs the following: PolyPhen-2: "Possibly Damaging". The leucine amino acid residue is found in multiple mammalian species, which suggests that this missense change does not adversely affect protein function. In summary, the available evidence is currently insufficient to determine the role of this variant in disease. Therefore, it has been classified as a Variant of Uncertain Significance.

Eurofins Ntd Llc (ga)
Classification: Uncertain significance. Last evaluated: 2018-06-05. Review status: criteria provided, single submitter. Criteria: EGL ClinVar v180209 classification definitions. Collection method: clinical testing. Allele origin: germline. Observed: 1 variant allele, 1 heterozygote.

Illumina Laboratory Services, Illumina
Classification: Uncertain significance for Peroxisome biogenesis disorder 7A (Zellweger). Last evaluated: 2018-01-12. Review status: criteria provided, single submitter. Criteria: ICSL Variant Classification Criteria 13 December 2019. Collection method: clinical testing. Allele origin: germline.

PreventionGenetics, part of Exact Sciences
Classification: Uncertain significance for PEX26-related condition. Last evaluated: 2024-02-03. Review status: no assertion criteria provided. Collection method: clinical testing. Allele origin: germline. Not counted in ClinVar's aggregate classification.
Comment: The PEX26 c.32C>T variant is predicted to result in the amino acid substitution p.Pro11Leu. To our knowledge, this variant has not been reported in the literature. This variant is reported in 0.012% of alleles in individuals of European (Non-Finnish) descent in gnomAD. At this time, the clinical significance of this variant is uncertain due to the absence of conclusive functional and genetic evidence.

NM_001127649.3(PEX26):c.32C>T (p.Pro11Leu)

Gene: PEX26 (peroxisomal biogenesis factor 26; plus strand). Cytogenetic location: 22q11.21.
Variant type: single nucleotide variant.
Coding change: c.32C>T on transcript NM_001127649.3 (MANE Select); coding-DNA position 32, C replaced by T.
Protein change: p.Pro11Leu; replaces proline 11 with leucine.
Molecular consequence: missense variant.
Genome position (GRCh38, 1-based): chr22:18,078,408, C>T. VCF-style: chr22-18078408-C-T. GRCh37 (hg19) VCF-style: chr22-18561174-C-T.
Other names: c.32C>T, p.Pro11Leu (NM_001199319.2, NM_017929.6); short protein forms P11L.
Identifiers: ClinVar variation 597480 (VCV000597480.16), dbSNP rs200279475, ClinGen allele CA10093196.